The following is an entry in ClinVar:

NM_012281.3(KCND2):c.1631A>G (p.Asn544Ser)

Gene: KCND2 (potassium voltage-gated channel subfamily D member 2; plus strand). Cytogenetic location: 7q31.31.
Variant type: single nucleotide variant.
Coding change: c.1631A>G on transcript NM_012281.3 (MANE Select); coding-DNA position 1631, A replaced by G.
Protein change: p.Asn544Ser; replaces asparagine 544 with serine.
Molecular consequence: missense variant.
Genome position (GRCh38, 1-based): chr7:120,745,943, A>G. VCF-style: chr7-120745943-A-G. GRCh37 (hg19) VCF-style: chr7-120385997-A-G.
Other names: short protein forms N544S.
Identifiers: ClinVar variation 2045844 (VCV002045844.6), dbSNP rs760043249, ClinGen allele CA4453729.

ClinVar aggregate classification (germline): Conflicting classifications of pathogenicity. Review status: criteria provided, conflicting classifications (1 of 4 stars). 2 submissions from 2 submitters: Uncertain significance (1); Likely benign (1). Last evaluated 2026-06-01.

Conditions:
Early Myoclonic Encephalopathy. Identifiers: MedGen C0270855.

Allele frequency attached by ClinVar (database versions not stated): gnomAD 0.00001; ExAC 0.00002; TOPMed 0.00002; gnomAD exomes 0.00003.
gnomAD v4.1: 46 of 1,613,746 alleles (0.0029%); highest among the groups gnomAD compares: Non-Finnish European, 0.0035%; no homozygotes.

Submissions (2):

CeGaT Center for Human Genetics Tuebingen
Classification: Likely benign. Last evaluated: 2026-06-01. Review status: criteria provided, single submitter. Criteria: CeGaT Center For Human Genetics Tuebingen Variant Classification Criteria Version 2. Collection method: clinical testing. Allele origin: germline. Affected: yes. Observed: 1 variant allele.
Comment: KCND2: BP4

Labcorp Genetics (formerly Invitae), Labcorp
Classification: Uncertain significance for Early Myoclonic Encephalopathy. Last evaluated: 2025-02-27. Review status: criteria provided, single submitter. Criteria: Invitae Variant Classification Sherloc (09022015). Collection method: clinical testing. Allele origin: germline.
Comment: This sequence change replaces asparagine, which is neutral and polar, with serine, which is neutral and polar, at codon 544 of the KCND2 protein (p.Asn544Ser). This variant is present in population databases (rs760043249, gnomAD 0.01%). This variant has not been reported in the literature in individuals affected with KCND2-related conditions. ClinVar contains an entry for this variant (Variation ID: 2045844). Invitae Evidence Modeling of protein sequence and biophysical properties (such as structural, functional, and spatial information, amino acid conservation, physicochemical variation, residue mobility, and thermodynamic stability) indicates that this missense variant is not expected to disrupt KCND2 protein function with a negative predictive value of 95%. In summary, the available evidence is currently insufficient to determine the role of this variant in disease. Therefore, it has been classified as a Variant of Uncertain Significance.